The following is an entry in ClinVar:

ClinVar aggregate classification (germline): Likely pathogenic. Review status: criteria provided, multiple submitters, no conflicts (2 of 4 stars). 2 submissions from 2 submitters: Likely pathogenic (2). Last evaluated 2025-03-26.

Conditions:
Glycogen storage disease type III (GSD3). Also called: Cori disease; FORBES DISEASE. Identifiers: Orphanet 366, MedGen C0017922, MONDO:0009291, OMIM 232400.

Allele frequency attached by ClinVar (database versions not stated): TOPMed 0.00001.
gnomAD v4.1: 8 of 1,612,710 alleles (0.0005%); highest among the groups gnomAD compares: Non-Finnish European, 0.00068%; no homozygotes.

Submissions (2):

Labcorp Genetics (formerly Invitae), Labcorp
Classification: Likely pathogenic for Glycogen storage disease type III. Last evaluated: 2025-03-26. Review status: criteria provided, single submitter. Criteria: Invitae Variant Classification Sherloc (09022015). Collection method: clinical testing. Allele origin: germline.
Comment: This sequence change affects an acceptor splice site in intron 30 of the AGL gene. It is expected to disrupt RNA splicing. Variants that disrupt the donor or acceptor splice site typically lead to a loss of protein function (PMID: 16199547), and loss-of-function variants in AGL are known to be pathogenic (PMID: 19299494). This variant is not present in population databases (gnomAD no frequency). This variant has not been reported in the literature in individuals affected with AGL-related conditions. ClinVar contains an entry for this variant (Variation ID: 1471379). Algorithms developed to predict the effect of sequence changes on RNA splicing suggest that this variant may disrupt the consensus splice site. In summary, the currently available evidence indicates that the variant is pathogenic, but additional data are needed to prove that conclusively. Therefore, this variant has been classified as Likely Pathogenic.

Baylor Genetics
Classification: Likely pathogenic for Glycogen storage disease type III. Last evaluated: 2023-11-22. Review status: criteria provided, single submitter. Criteria: ACMG Guidelines, 2015. Collection method: clinical testing. Allele origin: unknown.

Literature cited by the submitters: PubMed 16199547 (cited by Labcorp Genetics (formerly Invitae), Labcorp); PubMed 19299494 (cited by Labcorp Genetics (formerly Invitae), Labcorp).

NM_000642.3(AGL):c.4162-1G>A

Gene: AGL (amylo-alpha-1,6-glucosidase and 4-alpha-glucanotransferase; plus strand). Cytogenetic location: 1p21.2.
Variant type: single nucleotide variant.
Coding change: c.4162-1G>A on transcript NM_000642.3 (MANE Select); the canonical splice acceptor site of the intron before coding-DNA position 4162, G replaced by A.
Molecular consequence: splice acceptor variant.
Genome position (GRCh38, 1-based): chr1:99,915,388, G>A. VCF-style: chr1-99915388-G-A. GRCh37 (hg19) VCF-style: chr1-100380944-G-A.
Other names: c.4162-1G>A (NM_000643.3, NM_000644.3, NM_001425325.1 and 1 more transcripts); c.4114-1G>A (NM_000646.3); c.4141-1G>A (NM_001425326.1); c.3961-1G>A (NM_001425327.1); c.3958-1G>A (NM_001425328.1); c.3823-1G>A (NM_001425329.1); c.3784-1G>A (NM_001425332.1).
Identifiers: ClinVar variation 1471379 (VCV001471379.10), dbSNP rs1490339052, ClinGen allele CA341340750.